The following is an entry in ClinVar:

NM_001080467.3(MYO5B):c.3089A>C (p.Glu1030Ala)

Genes: MYO5B (myosin VB; minus strand), LOC126862746 (CDK7 strongly-dependent group 2 enhancer GRCh37_chr18:47405587-47406786; plus strand). Cytogenetic location: 18q21.1.
Variant type: single nucleotide variant.
Coding change: c.3089A>C on transcript NM_001080467.3 (MANE Select); coding-DNA position 3089, A replaced by C.
Protein change: p.Glu1030Ala; replaces glutamic acid 1030 with alanine.
Molecular consequence: missense variant.
Genome position (GRCh38, 1-based): chr18:49,880,412, T>G on the plus strand (A>C on the coding strand, the complement: MYO5B is on the minus strand). VCF-style: chr18-49880412-T-G. GRCh37 (hg19) VCF-style: chr18-47406782-T-G.
Other names: c.3089A>C (NM_001080467.2); short protein forms E1030A.
Identifiers: ClinVar variation 1906648 (VCV001906648.3), dbSNP rs774273210, ClinGen allele CA8960848.
Genomic context (GRCh38, chr18:49,880,412, plus strand): 5'-CAAGTGCTTTGGTACTTACCTTTAGACTGGCACAGGATTTGGTTGTTGAGCTGTTCTTTC[T>G]CATCTTTCAAGAGAGCATTTTCTTGCTCCAGGTCTGCAACTCGCTGGAAGAGAGCAATAG-3'
Protein context (NP_001073936.1, residues 1020-1040): LEQENALLKD[Glu1030Ala]KEQLNNQILC

ClinVar aggregate classification (germline): Uncertain significance. Review status: criteria provided, multiple submitters, no conflicts (2 of 4 stars). 2 submissions from 2 submitters: Uncertain significance (2). Last evaluated 2025-12-15.

Conditions:
Inborn genetic diseases. Identifiers: MedGen C0950123, MeSH D030342.

Allele frequency attached by ClinVar (database versions not stated): gnomAD exomes below 0.00001; ExAC 0.00001.
gnomAD v4.1: 4 of 1,614,170 alleles (0.00025%); highest among the groups gnomAD compares: Middle Eastern, 0.016%; no homozygotes.

Submissions (2):

Ambry Genetics
Classification: Uncertain significance for Inborn genetic diseases. Last evaluated: 2025-12-15. Review status: criteria provided, single submitter. Criteria: Ambry Variant Classification Scheme 2023. Collection method: clinical testing. Allele origin: germline.

Labcorp Genetics (formerly Invitae), Labcorp
Classification: Uncertain significance. Last evaluated: 2021-12-18. Review status: criteria provided, single submitter. Criteria: Invitae Variant Classification Sherloc (09022015). Collection method: clinical testing. Allele origin: germline.
Comment: This sequence change replaces glutamic acid, which is acidic and polar, with alanine, which is neutral and non-polar, at codon 1030 of the MYO5B protein (p.Glu1030Ala). This variant is present in population databases (rs774273210, gnomAD 0.0009%). This variant has not been reported in the literature in individuals affected with MYO5B-related conditions. Algorithms developed to predict the effect of missense changes on protein structure and function are either unavailable or do not agree on the potential impact of this missense change (SIFT: "Deleterious"; PolyPhen-2: "Benign"; Align-GVGD: "Class C0"). In summary, the available evidence is currently insufficient to determine the role of this variant in disease. Therefore, it has been classified as a Variant of Uncertain Significance.